The following is an entry in ClinVar:

NM_000136.3(FANCC):c.339G>A (p.Trp113Ter)

Gene: FANCC (FA complementation group C; minus strand). Cytogenetic location: 9q22.32.
Variant type: single nucleotide variant.
Coding change: c.339G>A on transcript NM_000136.3 (MANE Select); coding-DNA position 339, G replaced by A.
Protein change: p.Trp113Ter; replaces tryptophan 113 with a stop codon.
Molecular consequence: nonsense.
Genome position (GRCh38, 1-based): chr9:95,240,655, C>T on the plus strand (G>A on the coding strand, the complement: FANCC is on the minus strand). VCF-style: chr9-95240655-C-T. GRCh37 (hg19) VCF-style: chr9-98002937-C-T.
Other names: c.339G>A, p.Trp113Ter (NM_001243743.2, NM_001243744.2); short protein forms W113*.
Identifiers: ClinVar variation 370175 (VCV000370175.23), dbSNP rs1057516291, ClinGen allele CA16041349.

ClinVar aggregate classification (germline): Pathogenic/Likely pathogenic. Review status: criteria provided, multiple submitters, no conflicts (2 of 4 stars). 8 submissions from 8 submitters: Pathogenic (3); Likely pathogenic (3). 2 of the submissions do not count toward it. Last evaluated 2026-01-19.

Conditions:
Fanconi anemia (FA). Also called: Fanconi's anemia. Identifiers: Orphanet 84, MedGen C0015625, MeSH D005199, MONDO:0019391.
Fanconi anemia complementation group C (FANCC). Also called: FANCONI PANCYTOPENIA, TYPE 3; FACC; Fanconi anemia, group C; FANCC-Related Fanconi Anemia. Identifiers: Orphanet 84, MedGen C3468041, MONDO:0009213, OMIM 227645.
Type 2 diabetes mellitus. Also called: Type II diabetes mellitus. Identifiers: MedGen C0011860, MeSH D003924, MONDO:0005148, OMIM 125853, HP:0005978.
Hereditary cancer-predisposing syndrome. Also called: Tumor predisposition; Neoplastic Syndromes, Hereditary; Hereditary neoplastic syndrome; Hereditary Cancer Syndrome. Identifiers: Orphanet 140162, MedGen C0027672, MeSH D009386, MONDO:0015356.

Allele frequency attached by ClinVar (database versions not stated): gnomAD exomes below 0.00001; TOPMed below 0.00001; gnomAD 0.00001.
gnomAD v4.1: 2 of 1,600,894 alleles (0.00012%); highest among the groups gnomAD compares: East Asian, 0.0045%; no homozygotes.

Submissions (8):

Natera, Inc.
Classification: Likely pathogenic for Fanconi anemia. Last evaluated: 2026-01-19. Review status: criteria provided, single submitter. Criteria: Natera Variant Classification Schema (03/2026). Collection method: clinical testing. Allele origin: germline.
Comment: The c.339G>A variant in FANCC is a nonsense variant predicted to introduce a stop codon at amino acid 113. This variant is expected to result in nonsense mediated decay, truncation, or a dysfunctional protein product. This variant is rare in the general population with a frequency below the threshold expected for the associated phenotype(s). Given the available evidence, this variant is classified as Likely Pathogenic.

Labcorp Genetics (formerly Invitae), Labcorp
Classification: Pathogenic for Fanconi anemia. Last evaluated: 2025-06-09. Review status: criteria provided, single submitter. Criteria: Invitae Variant Classification Sherloc (09022015). Collection method: clinical testing. Allele origin: germline.
Comment: This sequence change creates a premature translational stop signal (p.Trp113*) in the FANCC gene. It is expected to result in an absent or disrupted protein product. Loss-of-function variants in FANCC are known to be pathogenic (PMID: 17924555). This variant is present in population databases (no rsID available, gnomAD 0.01%). This variant has not been reported in the literature in individuals affected with FANCC-related conditions. ClinVar contains an entry for this variant (Variation ID: 370175). For these reasons, this variant has been classified as Pathogenic.

Fulgent Genetics
Classification: Likely pathogenic for Fanconi anemia complementation group C. Last evaluated: 2024-03-21. Review status: criteria provided, single submitter. Criteria: ACMG Guidelines, 2015. Collection method: clinical testing. Allele origin: germline.

Baylor Genetics
Classification: Pathogenic for Fanconi anemia complementation group C. Last evaluated: 2024-02-21. Review status: criteria provided, single submitter. Criteria: ACMG Guidelines, 2015. Collection method: clinical testing. Allele origin: unknown.

Ambry Genetics
Classification: Pathogenic for Hereditary cancer-predisposing syndrome. Last evaluated: 2023-07-11. Review status: criteria provided, single submitter. Criteria: Ambry Variant Classification Scheme 2023. Collection method: clinical testing. Allele origin: germline.
Comment: The p.W113* pathogenic mutation (also known as c.339G>A), located in coding exon 3 of the FANCC gene, results from a G to A substitution at nucleotide position 339. This changes the amino acid from a tryptophan to a stop codon within coding exon 3. This alteration is expected to result in loss of function by premature protein truncation or nonsense-mediated mRNA decay. As such, this alteration is interpreted as a disease-causing mutation.

Juno Genomics, Hangzhou Juno Genomics, Inc
Classification: Likely pathogenic for Fanconi anemia complementation group C. Review status: criteria provided, single submitter. Criteria: ACMG Guidelines, 2015. Collection method: clinical testing. Allele origin: germline.
Comment: Null variant in a gene where loss of function (LOF) is a known mechanism of disease.;Absent from controls (or at extremely low frequency if recessive) in Genome Aggregation Database.

Gene Friend Way, National Innovation Center
Classification: Likely pathogenic for Type 2 diabetes mellitus. Last evaluated: 2025-01-01. Review status: no assertion criteria provided. Collection method: clinical testing. Allele origin: unknown. Affected: yes. Observed: 1 variant allele. Not counted in ClinVar's aggregate classification.
Comment: This variant substitues the amino acid from a tryptophan to a stop codon within coding exon 3, results in an absent or disrupted protein product. Loss-of-function variants in FANCC are known to be pathogenic (PMID: 17924555). FANCC might be associated with an increased risk of glucose metabolism disorders, including diabetes mellitus. FANCC overexpression reduced β‑cell apoptosis (PMID: 29901137). Mice deficient for the FANCC gene seem to be diabetes-prone, as manifested by significant hyperglycemia and hyperinsulinemia (PMID: 22482891).

Counsyl
Classification: Likely pathogenic for Fanconi anemia complementation group C. Last evaluated: 2015-12-08. Review status: no assertion criteria provided. Collection method: clinical testing. Allele origin: unknown. Not counted in ClinVar's aggregate classification.

Literature cited by the submitters: PubMed 17924555 (cited by Labcorp Genetics (formerly Invitae), Labcorp and Gene Friend Way, National Innovation Center); PubMed 29901137 (cited by Gene Friend Way, National Innovation Center); PubMed 22482891 (cited by Gene Friend Way, National Innovation Center).